The following is an entry in ClinVar:

ClinVar aggregate classification (germline): Uncertain significance (1 of 4 stars; one submission).

Conditions:
Pitt-Hopkins-like syndrome 2 (PTHSL2). Identifiers: Orphanet 221150, Orphanet 600663, MedGen C3280479, MONDO:0013690, OMIM 614325.

Submission:

Labcorp Genetics (formerly Invitae), Labcorp
Classification: Uncertain significance for Pitt-Hopkins-like syndrome 2. Last evaluated: 2023-01-07. Review status: criteria provided, single submitter. Criteria: Invitae Variant Classification Sherloc (09022015). Collection method: clinical testing. Allele origin: germline.
Comment: This variant is not present in population databases (gnomAD no frequency). This sequence change replaces aspartic acid, which is acidic and polar, with glycine, which is neutral and non-polar, at codon 867 of the NRXN1 protein (p.Asp867Gly). This variant has not been reported in the literature in individuals affected with NRXN1-related conditions. In summary, the available evidence is currently insufficient to determine the role of this variant in disease. Therefore, it has been classified as a Variant of Uncertain Significance. Algorithms developed to predict the effect of missense changes on protein structure and function (SIFT, PolyPhen-2, Align-GVGD) all suggest that this variant is likely to be tolerated.

NM_001330078.2(NRXN1):c.2480A>G (p.Asp827Gly)

Gene: NRXN1 (neurexin 1; minus strand). Cytogenetic location: 2p16.3.
Variant type: single nucleotide variant.
Coding change: c.2480A>G on transcript NM_001330078.2 (MANE Select); coding-DNA position 2480, A replaced by G.
Protein change: p.Asp827Gly; replaces aspartic acid 827 with glycine.
Molecular consequence: missense variant.
Genome position (GRCh38, 1-based): chr2:50,506,512, T>C on the plus strand (A>G on the coding strand, the complement: NRXN1 is on the minus strand). VCF-style: chr2-50506512-T-C. GRCh37 (hg19) VCF-style: chr2-50733650-T-C.
Other names: c.2600A>G, p.Asp867Gly (NM_001135659.3); c.2456A>G, p.Asp819Gly (NM_001330077.2, NM_001330082.2); c.2414A>G, p.Asp805Gly (NM_001330083.2, NM_001330084.2); c.2453A>G, p.Asp818Gly (NM_001330085.2); c.2480A>G, p.Asp827Gly (NM_001330086.2, NM_004801.6); c.2369A>G, p.Asp790Gly (NM_001330087.2, NM_001330096.2); c.2399A>G, p.Asp800Gly (NM_001330088.2); c.2477A>G, p.Asp826Gly (NM_001330093.2); and 2 more; short protein forms D819G, D826G, D790G, D800G, D818G, D827G, D805G, D810G.
Identifiers: ClinVar variation 2904671 (VCV002904671.3), dbSNP rs2468999956, ClinGen allele CA346777864.